The following is an entry in ClinVar:

ClinVar aggregate classification (germline): Uncertain significance (1 of 4 stars; one submission).

Conditions:
3-methylglutaconic aciduria, type VIIB (MGCA7B). Also called: CLPB Deficiency; 3-methylglutaconic aciduria with cataracts, neurologic involvement and neutropenia; 3-methylglutaconic aciduria, type VII, with cataracts, neurologic involvement and neutropenia. Identifiers: Orphanet 445038, MedGen C5676893, MONDO:0014561, OMIM 616271.

gnomAD v4.1: 5 of 1,608,424 alleles (0.00031%); highest among the groups gnomAD compares: Admixed American, 0.0034%; no homozygotes.

Submission:

Labcorp Genetics (formerly Invitae), Labcorp
Classification: Uncertain significance for 3-methylglutaconic aciduria, type VIIB. Last evaluated: 2024-03-02. Review status: criteria provided, single submitter. Criteria: Invitae Variant Classification Sherloc (09022015). Collection method: clinical testing. Allele origin: germline.
Comment: This sequence change replaces arginine, which is basic and polar, with tryptophan, which is neutral and slightly polar, at codon 27 of the CLPB protein (p.Arg27Trp). This variant is present in population databases (no rsID available, gnomAD 0.003%). This variant has not been reported in the literature in individuals affected with CLPB-related conditions. ClinVar contains an entry for this variant (Variation ID: 1990563). Experimental studies and prediction algorithms are not available or were not evaluated, and the functional significance of this variant is currently unknown. In summary, the available evidence is currently insufficient to determine the role of this variant in disease. Therefore, it has been classified as a Variant of Uncertain Significance.

NM_001258392.3(CLPB):c.79C>T (p.Arg27Trp)

Genes: CLPB (ClpB family mitochondrial disaggregase; minus strand), LOC130006336 (ATAC-STARR-seq lymphoblastoid active region 5191; plus strand). Cytogenetic location: 11q13.4.
Variant type: single nucleotide variant.
Coding change: c.79C>T on transcript NM_001258392.3 (MANE Select); coding-DNA position 79, C replaced by T.
Protein change: p.Arg27Trp; replaces arginine 27 with tryptophan.
Molecular consequence: missense variant. On other transcripts: 5 prime UTR variant (1).
Genome position (GRCh38, 1-based): chr11:72,434,396, G>A on the plus strand (C>T on the coding strand, the complement: CLPB is on the minus strand). VCF-style: chr11-72434396-G-A. GRCh37 (hg19) VCF-style: chr11-72145440-G-A.
Other names: c.79C>T, p.Arg27Trp (NM_001258393.3, NM_030813.6); c.-164C>T (NM_001258394.3); short protein forms R27W.
Identifiers: ClinVar variation 1990563 (VCV001990563.4), dbSNP rs1239981521, ClinGen allele CA381963848.